The following is an entry in ClinVar:

ClinVar aggregate classification (germline): Uncertain significance. Review status: criteria provided, multiple submitters, no conflicts (2 of 4 stars). 2 submissions from 2 submitters: Uncertain significance (2). Last evaluated 2026-03-25.

Allele frequency attached by ClinVar (database versions not stated): TOPMed below 0.00001; gnomAD exomes below 0.00001.
gnomAD v4.1: 3 of 1,611,626 alleles (0.00019%); highest among the groups gnomAD compares: Non-Finnish European, 0.00025%; no homozygotes.

Submissions (2):

GeneDx
Classification: Uncertain significance. Last evaluated: 2026-03-25. Review status: criteria provided, single submitter. Criteria: GeneDx Variant Classification Process June 2021. Collection method: clinical testing. Allele origin: germline.
Comment: Not observed at significant frequency in large population cohorts (gnomAD); In silico analysis supports that this missense variant has a deleterious effect on protein structure/function; Has not been previously published as pathogenic or benign to our knowledge; Not located in the triple helical region, where the majority of pathogenic missense variants occur (HGMD; PMID: 25240749); This variant is associated with the following publications: (PMID: 25240749)

Labcorp Genetics (formerly Invitae), Labcorp
Classification: Uncertain significance. Last evaluated: 2026-01-17. Review status: criteria provided, single submitter. Criteria: Invitae Variant Classification Sherloc (09022015). Collection method: clinical testing. Allele origin: germline.
Comment: This sequence change replaces aspartic acid, which is acidic and polar, with glycine, which is neutral and non-polar, at codon 1652 of the COL11A1 protein (p.Asp1652Gly). This variant is not present in population databases (gnomAD no frequency). This variant has not been reported in the literature in individuals affected with COL11A1-related conditions. ClinVar contains an entry for this variant (Variation ID: 3016506). Invitae Evidence Modeling of protein sequence and biophysical properties (such as structural, functional, and spatial information, amino acid conservation, physicochemical variation, residue mobility, and thermodynamic stability) indicates that this missense variant is not expected to disrupt COL11A1 protein function with a negative predictive value of 80%. In summary, the available evidence is currently insufficient to determine the role of this variant in disease. Therefore, it has been classified as a Variant of Uncertain Significance.

NM_001854.4(COL11A1):c.4955A>G (p.Asp1652Gly)

Gene: COL11A1 (collagen type XI alpha 1 chain; minus strand). Cytogenetic location: 1p21.1.
Variant type: single nucleotide variant.
Coding change: c.4955A>G on transcript NM_001854.4 (MANE Select); coding-DNA position 4955, A replaced by G.
Protein change: p.Asp1652Gly; replaces aspartic acid 1652 with glycine.
Molecular consequence: missense variant. On other transcripts: non-coding transcript variant (1).
Genome position (GRCh38, 1-based): chr1:102,883,215, T>C on the plus strand (A>G on the coding strand, the complement: COL11A1 is on the minus strand). VCF-style: chr1-102883215-T-C. GRCh37 (hg19) VCF-style: chr1-103348771-T-C.
Other names: c.4607A>G, p.Asp1536Gly (NM_001168249.1, NM_080630.4); c.4838A>G, p.Asp1613Gly (NM_001190709.2); c.4991A>G, p.Asp1664Gly (NM_080629.3); c.4955A>G (NM_001854.3); short protein forms D1664G, D1536G, D1613G, D1652G.
Identifiers: ClinVar variation 3016506 (VCV003016506.4), dbSNP rs1650475318, ClinGen allele CA341211466.